The following is an entry in ClinVar:

ClinVar aggregate classification (germline): Benign/Likely benign. Review status: criteria provided, multiple submitters, no conflicts (2 of 4 stars). 3 submissions from 3 submitters: Benign (2); Likely benign (1). Last evaluated 2026-02-04.

Conditions:
Sulfite oxidase deficiency due to molybdenum cofactor deficiency type A. Also called: Molybdenum Cofactor Deficiency A; Molybdenum cofactor deficiency, complementation group A. Identifiers: Orphanet 308386, Orphanet 833, MedGen C1854988, MONDO:0009643, OMIM 252150.

Allele frequency attached by ClinVar (database versions not stated): 1000 Genomes Project 30x 0.00921; 1000 Genomes Project 0.00978; TOPMed 0.01398; gnomAD 0.01571 and 0.01572; ExAC 0.01637; gnomAD exomes 0.01648 and 0.02041; ESP Exome Variant Server 0.01776.
gnomAD v4.1: 32,123 of 1,613,746 alleles (2%); highest among the groups gnomAD compares: Non-Finnish European, 2.3%; 383 homozygotes.

Submissions (3):

Labcorp Genetics (formerly Invitae), Labcorp
Classification: Benign for Sulfite oxidase deficiency due to molybdenum cofactor deficiency type A. Last evaluated: 2026-02-04. Review status: criteria provided, single submitter. Criteria: Invitae Variant Classification Sherloc (09022015). Collection method: clinical testing. Allele origin: germline.

Fulgent Genetics
Classification: Likely benign for Sulfite oxidase deficiency due to molybdenum cofactor deficiency type A. Last evaluated: 2022-02-10. Review status: criteria provided, single submitter. Criteria: ACMG Guidelines, 2015. Collection method: clinical testing. Allele origin: unknown.

Illumina Laboratory Services, Illumina
Classification: Benign for Sulfite oxidase deficiency due to molybdenum cofactor deficiency type A. Last evaluated: 2018-01-12. Review status: criteria provided, single submitter. Criteria: ICSL Variant Classification Criteria 13 December 2019. Collection method: clinical testing. Allele origin: germline.
Comment: This variant was observed in the ICSL laboratory as part of a predisposition screen in an ostensibly healthy population. It had not been previously curated by ICSL or reported in the Human Gene Mutation Database (HGMD: prior to June 1st, 2018), and was therefore a candidate for classification through an automated scoring system. Utilizing variant allele frequency, disease prevalence and penetrance estimates, and inheritance mode, an automated score was calculated to assess if this variant is too frequent to cause the disease. Based on the score and internal cut-off values, a variant classified as benign is not then subjected to further curation. The score for this variant resulted in a classification of benign for this disease.

NM_001358530.2(MOCS1):c.1715G>A (p.Arg572His)

Gene: MOCS1 (molybdenum cofactor synthesis 1; minus strand). Cytogenetic location: 6p21.2.
Variant type: single nucleotide variant.
Coding change: c.1715G>A on transcript NM_001358530.2 (MANE Select); coding-DNA position 1715, G replaced by A.
Protein change: p.Arg572His; replaces arginine 572 with histidine.
Molecular consequence: missense variant. On other transcripts: 3 prime UTR variant (4), non-coding transcript variant (1).
Genome position (GRCh38, 1-based): chr6:39,906,553, C>T on the plus strand (G>A on the coding strand, the complement: MOCS1 is on the minus strand). VCF-style: chr6-39906553-C-T. GRCh37 (hg19) VCF-style: chr6-39874329-C-T.
Other names: c.*572G>A (NM_001075098.4, NM_001358533.2, NM_001358534.2 and 1 more transcripts); c.1667G>A, p.Arg556His (NM_001358529.2); c.1454G>A, p.Arg485His (NM_001358531.2); short protein forms R485H, R556H, R572H.
Identifiers: ClinVar variation 356643 (VCV000356643.13), dbSNP rs41273140, ClinGen allele CA3795909.